The following is an entry in ClinVar:

NM_001375808.2(LPIN2):c.496A>G (p.Ser166Gly)

Gene: LPIN2 (lipin 2; minus strand). Cytogenetic location: 18p11.31.
Variant type: single nucleotide variant.
Coding change: c.496A>G on transcript NM_001375808.2 (MANE Select); coding-DNA position 496, A replaced by G.
Protein change: p.Ser166Gly; replaces serine 166 with glycine.
Molecular consequence: missense variant.
Genome position (GRCh38, 1-based): chr18:2,951,149, T>C on the plus strand (A>G on the coding strand, the complement: LPIN2 is on the minus strand). VCF-style: chr18-2951149-T-C. GRCh37 (hg19) VCF-style: chr18-2951147-T-C.
Other names: p.Ser166Gly; c.496A>G, p.Ser166Gly (NM_001375809.1, NM_014646.2); short protein forms S166G.
Identifiers: ClinVar variation 845326 (VCV000845326.6), dbSNP rs1187367177, ClinGen allele CA401708944.

ClinVar aggregate classification (germline): Uncertain significance. Review status: criteria provided, multiple submitters, no conflicts (2 of 4 stars). 2 submissions from 2 submitters: Uncertain significance (2). Last evaluated 2025-05-05.

Conditions:
Majeed syndrome (MJDS). Also called: LPIN2-Related Majeed Syndrome; CHRONIC RECURRENT MULTIFOCAL OSTEOMYELITIS 1, WITH CONGENITAL DYSERYTHROPOIETIC ANEMIA, WITH OR WITHOUT NEUTROPHILIC DERMATOSIS. Identifiers: Orphanet 77297, MedGen C1864997, MONDO:0012316, OMIM 609628.

Allele frequency attached by ClinVar (database versions not stated): gnomAD exomes below 0.00001 and 0.00002; gnomAD 0.00001; TOPMed 0.00002.

Submissions (2):

Mayo Clinic Laboratories, Mayo Clinic
Classification: Uncertain significance. Last evaluated: 2025-05-05. Review status: criteria provided, single submitter. Criteria: ACMG Guidelines, 2015. Collection method: clinical testing. Allele origin: germline. Observed: 1 variant allele.

Labcorp Genetics (formerly Invitae), Labcorp
Classification: Uncertain significance for Majeed syndrome. Last evaluated: 2021-11-04. Review status: criteria provided, single submitter. Criteria: Invitae Variant Classification Sherloc (09022015). Collection method: clinical testing. Allele origin: germline.
Comment: This sequence change replaces serine, which is neutral and polar, with glycine, which is neutral and non-polar, at codon 166 of the LPIN2 protein (p.Ser166Gly). This variant is present in population databases (no rsID available, gnomAD 0.0009%). This variant has not been reported in the literature in individuals affected with LPIN2-related conditions. ClinVar contains an entry for this variant (Variation ID: 845326). Algorithms developed to predict the effect of missense changes on protein structure and function (SIFT, PolyPhen-2, Align-GVGD) all suggest that this variant is likely to be tolerated. Algorithms developed to predict the effect of sequence changes on RNA splicing suggest that this variant may create or strengthen a splice site. In summary, the available evidence is currently insufficient to determine the role of this variant in disease. Therefore, it has been classified as a Variant of Uncertain Significance.